The following is an entry in ClinVar:

ClinVar aggregate classification (germline): Uncertain significance (0 of 4 stars; one submission).

Conditions:
BBS9-related disorder. Also called: BBS9-related condition.

Submission:

PreventionGenetics, part of Exact Sciences
Classification: Uncertain significance for BBS9-related condition. Last evaluated: 2024-01-20. Review status: no assertion criteria provided. Collection method: clinical testing. Allele origin: germline.
Comment: The BBS9 c.2255T>C variant is predicted to result in the amino acid substitution p.Leu752Pro. To our knowledge, this variant has not been reported in the literature. This variant is reported in 0.0062% of alleles in individuals of African descent in gnomAD. At this time, the clinical significance of this variant is uncertain due to the absence of conclusive functional and genetic evidence.

NM_198428.3(BBS9):c.2255T>C (p.Leu752Pro)

Gene: BBS9 (Bardet-Biedl syndrome 9; plus strand). Cytogenetic location: 7p14.3.
Variant type: single nucleotide variant.
Coding change: c.2255T>C on transcript NM_198428.3 (MANE Select); coding-DNA position 2255, T replaced by C.
Protein change: p.Leu752Pro; replaces leucine 752 with proline.
Molecular consequence: missense variant. On other transcripts: non-coding transcript variant (3), intron variant (1).
Genome position (GRCh38, 1-based): chr7:33,505,602, T>C. VCF-style: chr7-33505602-T-C. GRCh37 (hg19) VCF-style: chr7-33545214-T-C.
Other names: c.2150T>C, p.Leu717Pro (NM_001033604.2); c.2240T>C, p.Leu747Pro (NM_001033605.2); c.2255T>C, p.Leu752Pro (NM_001348036.1, NM_001348041.4, NM_001348043.3 and 1 more transcripts); c.1982T>C, p.Leu661Pro (NM_001348038.3); c.1877T>C, p.Leu626Pro (NM_001348039.3); c.2135T>C, p.Leu712Pro (NM_001348040.3, NM_014451.4); c.2120T>C, p.Leu707Pro (NM_001348042.3); c.1784T>C, p.Leu595Pro (NM_001348044.3); and 2 more; short protein forms L595P, L626P, L630P, L661P, L707P, L712P, L717P, L747P.
Identifiers: ClinVar variation 3348581 (VCV003348581.1).
Genomic context (GRCh38, chr7:33,505,602, plus strand): 5'-ATTTGGTGATTCTGCTGATCGCGCTGTGGCAGAAGCTTAGTGCTGACCAGGTTGCTATTC[T>C]GGAAGCGGCATTTCTGCCGCTACAAGAAGACACTCAAGAATTGGTAAGGACCTGAAAGCC-3'
Protein context (NP_940820.1, residues 742-762): QKLSADQVAI[Leu752Pro]EAAFLPLQED